The following is an entry in ClinVar:

ClinVar aggregate classification (germline): Uncertain significance (1 of 4 stars; one submission).

Submission:

GeneDx
Classification: Uncertain significance. Last evaluated: 2025-02-18. Review status: criteria provided, single submitter. Criteria: GeneDx Variant Classification Process June 2021. Collection method: clinical testing. Allele origin: germline. Affected: yes.
Comment: In silico analysis supports that this missense variant has a deleterious effect on protein structure/function; Not observed at significant frequency in large population cohorts (gnomAD); This variant is associated with the following publications: (PMID: 36884306)

NM_001079668.3(NKX2-1):c.673G>A (p.Ala225Thr)

Genes: NKX2-1 (NK2 homeobox 1; minus strand), SFTA3 (surfactant associated 3; minus strand). Cytogenetic location: 14q13.3.
Variant type: single nucleotide variant.
Coding change: c.673G>A on transcript NM_001079668.3 (MANE Select); coding-DNA position 673, G replaced by A.
Protein change: p.Ala225Thr; replaces alanine 225 with threonine.
Molecular consequence: missense variant.
Genome position (GRCh38, 1-based): chr14:36,517,811, C>T on the plus strand (G>A on the coding strand, the complement: NKX2-1 is on the minus strand). VCF-style: chr14-36517811-C-T. GRCh37 (hg19) VCF-style: chr14-36987016-C-T.
Other names: c.583G>A, p.Ala195Thr (NM_003317.4); short protein forms A195T, A225T.
Identifiers: ClinVar variation 4075553 (VCV004075553.1).
Genomic context (GRCh38, chr14:36,517,811, plus strand): 5'-TGTAGCGGTGGTTCTGGAACCAGATCTTGACCTGCGTGGGCGTCAGGTGGATCATGCTGG[C>T]CAGGTGCTCGCGCTCCGGCGCCGACAGGTACTTCTGTTGCTTGAAGCGTCGCTCCAGCTC-3'
Protein context (NP_001073136.1, residues 215-235): YLSAPEREHL[Ala225Thr]SMIHLTPTQV